The following is an entry in ClinVar:

ClinVar aggregate classification (germline): Likely benign (1 of 4 stars; one submission).

Submission:

CeGaT Center for Human Genetics Tuebingen
Classification: Likely benign. Last evaluated: 2023-02-01. Review status: criteria provided, single submitter. Criteria: CeGaT Center For Human Genetics Tuebingen Variant Classification Criteria Version 2. Collection method: clinical testing. Allele origin: germline. Affected: yes. Observed: 1 variant allele.
Comment: CYP4F3: PM2:Supporting, BP4, BP7

NM_000896.3(CYP4F3):c.999A>T (p.Thr333=)

Gene: CYP4F3 (cytochrome P450 family 4 subfamily F member 3; plus strand). Cytogenetic location: 19p13.12.
Variant type: single nucleotide variant.
Coding change: c.999A>T on transcript NM_000896.3 (MANE Select); coding-DNA position 999, A replaced by T.
Protein change: p.Thr333=; no amino-acid change (threonine 333 retained).
Molecular consequence: synonymous variant.
Genome position (GRCh38, 1-based): chr19:15,652,836, A>T. VCF-style: chr19-15652836-A-T. GRCh37 (hg19) VCF-style: chr19-15763646-A-T.
Other names: c.999A>T, p.Thr333= (NM_001199209.2, NM_001369696.1, NM_001199208.2).
Identifiers: ClinVar variation 2649497 (VCV002649497.24), dbSNP rs775074714, ClinGen allele CA505833339.